The following is an entry in ClinVar:

ClinVar aggregate classification (germline): Uncertain significance (1 of 4 stars; one submission).

Allele frequency attached by ClinVar (database versions not stated): gnomAD exomes 0.00001.
gnomAD v4.1: 3 of 1,614,220 alleles (0.00019%); highest among the groups gnomAD compares: Non-Finnish European, 0.00025%; no homozygotes.

Submission:

GeneDx
Classification: Uncertain significance. Last evaluated: 2022-02-15. Review status: criteria provided, single submitter. Criteria: GeneDx Variant Classification Process June 2021. Collection method: clinical testing. Allele origin: germline. Affected: yes.
Comment: Not observed at significant frequency in large population cohorts (gnomAD); In silico analysis supports that this missense variant does not alter protein structure/function; Has not been previously published as pathogenic or benign to our knowledge

NM_015040.4(PIKFYVE):c.1958A>G (p.Lys653Arg)

Gene: PIKFYVE (phosphoinositide kinase, FYVE-type zinc finger containing; plus strand). Cytogenetic location: 2q34.
Variant type: single nucleotide variant.
Coding change: c.1958A>G on transcript NM_015040.4 (MANE Select); coding-DNA position 1958, A replaced by G.
Protein change: p.Lys653Arg; replaces lysine 653 with arginine.
Molecular consequence: missense variant.
Genome position (GRCh38, 1-based): chr2:208,315,324, A>G. VCF-style: chr2-208315324-A-G. GRCh37 (hg19) VCF-style: chr2-209180048-A-G.
Other names: short protein forms K653R.
Identifiers: ClinVar variation 1702675 (VCV001702675.2), dbSNP rs2125462935, ClinGen allele CA350111739.